The following is an entry in ClinVar:

ClinVar aggregate classification (germline): Uncertain significance (1 of 4 stars; one submission).

Conditions:
Cardiovascular phenotype. Identifiers: MedGen CN230736.

Submission:

Ambry Genetics
Classification: Uncertain significance for Cardiovascular phenotype. Last evaluated: 2023-12-10. Review status: criteria provided, single submitter. Criteria: Ambry Variant Classification Scheme 2023. Collection method: clinical testing. Allele origin: germline.
Comment: The p.C1855W variant (also known as c.5565T>G), located in coding exon 2 of the ZNF469 gene, results from a T to G substitution at nucleotide position 5565. The cysteine at codon 1855 is replaced by tryptophan, an amino acid with highly dissimilar properties. This amino acid position is conserved. In addition, this alteration is predicted to be tolerated by in silico analysis. Since supporting evidence is limited at this time, the clinical significance of this alteration remains unclear.

NM_001367624.2(ZNF469):c.5649T>G (p.Cys1883Trp)

Gene: ZNF469 (zinc finger protein 469; plus strand). Cytogenetic location: 16q24.2.
Variant type: single nucleotide variant.
Coding change: c.5649T>G on transcript NM_001367624.2 (MANE Select); coding-DNA position 5649, T replaced by G.
Protein change: p.Cys1883Trp; replaces cysteine 1883 with tryptophan.
Molecular consequence: missense variant.
Genome position (GRCh38, 1-based): chr16:88,433,119, T>G. VCF-style: chr16-88433119-T-G. GRCh37 (hg19) VCF-style: chr16-88499527-T-G.
Other names: NM_001127464.1:c.5565T>G; short protein forms C1883W.
Identifiers: ClinVar variation 3232828 (VCV003232828.1), dbSNP rs2507591144, ClinGen allele CA397101731.